The following is an entry in ClinVar:

ClinVar aggregate classification (germline): Uncertain significance (1 of 4 stars; one submission).

Conditions:
Bardet-Biedl syndrome (BBS). Identifiers: Orphanet 110, MedGen C0752166, MONDO:0015229.

Submission:

Labcorp Genetics (formerly Invitae), Labcorp
Classification: Uncertain significance for Bardet-Biedl syndrome. Last evaluated: 2022-04-24. Review status: criteria provided, single submitter. Criteria: Invitae Variant Classification Sherloc (09022015). Collection method: clinical testing. Allele origin: germline.
Comment: This sequence change replaces isoleucine, which is neutral and non-polar, with valine, which is neutral and non-polar, at codon 659 of the BBS10 protein (p.Ile659Val). This variant is present in population databases (rs771355732, gnomAD 0.01%). This variant has not been reported in the literature in individuals affected with BBS10-related conditions. Algorithms developed to predict the effect of missense changes on protein structure and function output the following: SIFT: "Tolerated"; PolyPhen-2: "Benign"; Align-GVGD: "Class C0". The valine amino acid residue is found in multiple mammalian species, which suggests that this missense change does not adversely affect protein function. In summary, the available evidence is currently insufficient to determine the role of this variant in disease. Therefore, it has been classified as a Variant of Uncertain Significance.

NM_024685.4(BBS10):c.1975A>G (p.Ile659Val)

Gene: BBS10 (Bardet-Biedl syndrome 10; minus strand). Cytogenetic location: 12q21.2.
Variant type: single nucleotide variant.
Coding change: c.1975A>G on transcript NM_024685.4 (MANE Select); coding-DNA position 1975, A replaced by G.
Protein change: p.Ile659Val; replaces isoleucine 659 with valine.
Molecular consequence: missense variant.
Genome position (GRCh38, 1-based): chr12:76,346,010, T>C on the plus strand (A>G on the coding strand, the complement: BBS10 is on the minus strand). VCF-style: chr12-76346010-T-C. GRCh37 (hg19) VCF-style: chr12-76739790-T-C.
Other names: short protein forms I659V.
Identifiers: ClinVar variation 1977523 (VCV001977523.2), dbSNP rs771355732, ClinGen allele CA6694066.